The following is an entry in ClinVar:

ClinVar aggregate classification (germline): Conflicting classifications of pathogenicity. Review status: criteria provided, conflicting classifications (1 of 4 stars). 8 submissions from 8 submitters: Uncertain significance (7); Benign (1). Last evaluated 2026-01-06.

Conditions:
Hereditary cancer-predisposing syndrome. Also called: Neoplastic Syndromes, Hereditary; Tumor predisposition; Hereditary Cancer Syndrome; Hereditary neoplastic syndrome. Identifiers: Orphanet 140162, MedGen C0027672, MeSH D009386, MONDO:0015356.
Familial adenomatous polyposis 2. Also called: Adenomas, multiple colorectal; COLORECTAL ADENOMATOUS POLYPOSIS, AUTOSOMAL RECESSIVE; ADENOMAS, MULTIPLE COLORECTAL, AUTOSOMAL RECESSIVE; MYH-associated polyposis; MUTYH Polyposis; FAP type 2. Identifiers: Orphanet 220460, Orphanet 247798, MedGen C3272841, MONDO:0012041, OMIM 608456.

Allele frequency attached by ClinVar (database versions not stated): gnomAD 0.00001; TOPMed 0.00002.

Submissions (8):

Labcorp Genetics (formerly Invitae), Labcorp
Classification: Uncertain significance for Familial adenomatous polyposis 2. Last evaluated: 2026-01-06. Review status: criteria provided, single submitter. Criteria: Invitae Variant Classification Sherloc (09022015). Collection method: clinical testing. Allele origin: germline.
Comment: This sequence change replaces arginine, which is basic and polar, with tryptophan, which is neutral and slightly polar, at codon 519 of the MUTYH protein (p.Arg519Trp). This variant is present in population databases (rs754364718, gnomAD 0.003%). This variant has not been reported in the literature in individuals affected with MUTYH-related conditions. ClinVar contains an entry for this variant (Variation ID: 187354). An algorithm developed to predict the effect of missense changes on protein structure and function outputs the following: PolyPhen-2: "Benign". The tryptophan amino acid residue is found in multiple mammalian species, which suggests that this missense change does not adversely affect protein function. In summary, the available evidence is currently insufficient to determine the role of this variant in disease. Therefore, it has been classified as a Variant of Uncertain Significance.

Ambry Genetics
Classification: Benign for Hereditary cancer-predisposing syndrome. Last evaluated: 2025-09-09. Review status: criteria provided, single submitter. Criteria: Ambry Variant Classification Scheme 2023. Collection method: clinical testing. Allele origin: germline.

Women's Health and Genetics/Laboratory Corporation of America, LabCorp
Classification: Uncertain significance. Last evaluated: 2025-05-08. Review status: criteria provided, single submitter. Criteria: LabCorp Variant Classification Summary - May 2015. Collection method: clinical testing. Allele origin: germline.
Comment: Variant summary: MUTYH c.1555C>T (p.Arg519Trp) results in a non-conservative amino acid change in the encoded protein sequence. Algorithms developed to predict the effect of missense changes on protein structure and function are either unavailable or do not agree on the potential impact of this missense change. The variant allele was found at a frequency of 4e-06 in 251468 control chromosomes (gnomAD). The available data on variant occurrences in the general population are insufficient to allow any conclusion about variant significance. c.1555C>T has been observed in an individual affected with breast cancer (Dorling_2021). This report does not provide unequivocal conclusions about association of the variant with MUTYH-Associated Polyposis. To our knowledge, no experimental evidence demonstrating an impact on protein function has been reported. The following publication has been ascertained in the context of this evaluation (PMID: 33471991). ClinVar contains an entry for this variant (Variation ID: 187354). Based on the evidence outlined above, the variant was classified as uncertain significance.

Baylor Genetics
Classification: Uncertain significance for Familial adenomatous polyposis 2. Last evaluated: 2024-03-14. Review status: criteria provided, single submitter. Criteria: ACMG Guidelines, 2015. Collection method: clinical testing. Allele origin: unknown.

All of Us Research Program, National Institutes of Health
Classification: Uncertain significance for Familial adenomatous polyposis 2. Last evaluated: 2023-09-09. Review status: criteria provided, single submitter. Criteria: ACMG Guidelines, 2015. Collection method: clinical testing. Allele origin: germline. Inheritance: Autosomal recessive inheritance. Observed: 4 variant alleles, 4 heterozygotes.
Comment: This missense variant replaces arginine with tryptophan at codon 519 of the MUTYH protein. Computational prediction suggests that this variant may not impact protein structure and function (internally defined REVEL score threshold <= 0.5, PMID: 27666373). To our knowledge, functional studies have not been reported for this variant. This variant has not been reported in individuals affected with MUTYH-related disorders in the literature. This variant has been identified in 1/251468 chromosomes in the general population by the Genome Aggregation Database (gnomAD). The available evidence is insufficient to determine the role of this variant in disease conclusively. Therefore, this variant is classified as a Variant of Uncertain Significance.

This study involves interpretation of variants in research participants for the purpose of population health screening. Participant phenotype was not available at the time of variant classification. Additional details can be found in publication PMID: 35346344, PMCID: PMC8962531

Color Diagnostics, LLC DBA Color Health
Classification: Uncertain significance for Hereditary cancer-predisposing syndrome. Last evaluated: 2023-08-10. Review status: criteria provided, single submitter. Criteria: ACMG Guidelines, 2015. Collection method: clinical testing. Allele origin: germline.
Comment: This missense variant replaces arginine with tryptophan at codon 519 of the MUTYH protein. Computational prediction suggests that this variant may not impact protein structure and function (internally defined REVEL score threshold <= 0.5, PMID: 27666373). To our knowledge, functional studies have not been reported for this variant. This variant has not been reported in individuals affected with MUTYH-related disorders in the literature. This variant has been identified in 1/251468 chromosomes in the general population by the Genome Aggregation Database (gnomAD). The available evidence is insufficient to determine the role of this variant in disease conclusively. Therefore, this variant is classified as a Variant of Uncertain Significance.

GeneDx
Classification: Uncertain significance. Last evaluated: 2023-04-04. Review status: criteria provided, single submitter. Criteria: GeneDx Variant Classification Process June 2021. Collection method: clinical testing. Allele origin: germline. Affected: yes.
Comment: Not observed at significant frequency in large population cohorts (gnomAD); In silico analysis supports that this missense variant has a deleterious effect on protein structure/function; Has not been previously published as pathogenic or benign to our knowledge; This variant is associated with the following publications: (PMID: 26489445, 11092888, 23108399)

Quest Diagnostics Nichols Institute San Juan Capistrano
Classification: Uncertain significance. Last evaluated: 2017-04-07. Review status: criteria provided, single submitter. Criteria: Quest Diagnostics criteria. Collection method: clinical testing. Allele origin: germline.

Literature cited by the submitters: PubMed 33471991 (cited by Women's Health and Genetics/Laboratory Corporation of America, LabCorp).

NM_001048174.2(MUTYH):c.1471C>T (p.Arg491Trp)

Gene: MUTYH (mutY DNA glycosylase; minus strand). Cytogenetic location: 1p34.1.
Variant type: single nucleotide variant.
Coding change: c.1471C>T on transcript NM_001048174.2 (MANE Select); coding-DNA position 1471, C replaced by T.
Protein change: p.Arg491Trp; replaces arginine 491 with tryptophan.
Molecular consequence: missense variant. On other transcripts: non-coding transcript variant (2).
Genome position (GRCh38, 1-based): chr1:45,329,401, G>A on the plus strand (C>T on the coding strand, the complement: MUTYH is on the minus strand). VCF-style: chr1-45329401-G-A. GRCh37 (hg19) VCF-style: chr1-45795073-G-A.
Other names: c.1471C>T, p.Arg491Trp (NM_001048171.2, NM_001048173.2, NM_001293195.2); c.1474C>T, p.Arg492Trp (NM_001048172.2); c.1555C>T, p.Arg519Trp (NM_001128425.2); c.1516C>T, p.Arg506Trp (NM_001293190.2); c.1504C>T, p.Arg502Trp (NM_001293191.2); c.1195C>T, p.Arg399Trp (NM_001293192.2, NM_001293196.2); c.1126C>T, p.Arg376Trp (NM_001350650.2, NM_001350651.2); c.1546C>T, p.Arg516Trp (NM_012222.3); short protein forms R519W, R492W, R502W, R506W, R516W, R376W, R399W, R491W.
Identifiers: ClinVar variation 187354 (VCV000187354.29), dbSNP rs754364718, ClinGen allele CA013015.